The following is an entry in ClinVar:

ClinVar aggregate classification (germline): Likely pathogenic (1 of 4 stars; one submission).

Conditions:
3 beta-Hydroxysteroid dehydrogenase deficiency. Also called: 3b-hydroxysteroid dehydrogenase deficiency; ADRENAL HYPERPLASIA, CONGENITAL, DUE TO 3-BETA-HYDROXYSTEROID DEHYDROGENASE 2 DEFICIENCY; Congenital adrenal hyperplasia due to 3-beta-hydroxysteroid dehydrogenase deficiency; 3-BETA-HSD DEFICIENCY; ADRENAL HYPERPLASIA II. Identifiers: Orphanet 90791, MedGen C0342471, MeSH C538236, MONDO:0008727, OMIM 201810. Disease mechanism: loss of function.

gnomAD v4.1: 3 of 1,614,038 alleles (0.00019%); highest among the groups gnomAD compares: South Asian, 0.0011%; no homozygotes.

Submission:

Natera, Inc.
Classification: Likely pathogenic for 3 beta hydroxysteroid dehydrogenase deficiency. Last evaluated: 2025-11-30. Review status: criteria provided, single submitter. Criteria: Natera Variant Classification Schema (03/2026). Collection method: clinical testing. Allele origin: germline.
Comment: The c.464C>T variant in HSD3B2 is a missense variant predicted to cause substitution of proline to leucine at amino acid 155. This variant is rare in the general population with a frequency below the threshold expected for the associated phenotype(s). This variant has been observed in one or more individuals affected with the associated recessive disease, as either homozygous or compound heterozygous with a second variant (PMID: 33864926). Functional studies show that this variant may disrupt protein function (PMID: 10599696, 11196452). Computational prediction algorithms indicate this variant is likely to affect gene or protein function. Given the available evidence, this variant is classified as Likely Pathogenic.

Literature cited by the submitters: PubMed 33864926; PubMed 10599696; PubMed 11196452.

NM_000198.4(HSD3B2):c.464C>T (p.Pro155Leu)

Gene: HSD3B2 (hydroxy-delta-5-steroid dehydrogenase, 3 beta- and steroid delta-isomerase 2; plus strand). Cytogenetic location: 1p12.
Variant type: single nucleotide variant.
Coding change: c.464C>T on transcript NM_000198.4 (MANE Select); coding-DNA position 464, C replaced by T.
Protein change: p.Pro155Leu; replaces proline 155 with leucine.
Molecular consequence: missense variant.
Genome position (GRCh38, 1-based): chr1:119,421,965, C>T. VCF-style: chr1-119421965-C-T. GRCh37 (hg19) VCF-style: chr1-119964588-C-T.
Other names: c.464C>T, p.Pro155Leu (NM_001166120.2); short protein forms P155L.
Identifiers: ClinVar variation 4817898 (VCV004817898.1).
Genomic context (GRCh38, chr1:119,421,965, plus strand): 5'-AAATCATCCAGAACGGCCACGAAGAAGAGCCTCTGGAAAACACATGGCCCACTCCATACC[C>T]GTACAGCAAAAAGCTTGCTGAGAAGGCTGTGCTGGCGGCTAATGGGTGGAATCTAAAAAA-3'
Protein context (NP_000189.1, residues 145-165): PLENTWPTPY[Pro155Leu]YSKKLAEKAV